The following is an entry in ClinVar:

ClinVar aggregate classification (germline): Uncertain significance (1 of 4 stars; one submission).

Conditions:
Congenital neutropenia-myelofibrosis-nephromegaly syndrome. Also called: Severe congenital neutropenia 5, autosomal recessive. Identifiers: Orphanet 369852, MedGen C3809031, MONDO:0014118, OMIM 615285.

Allele frequency attached by ClinVar (database versions not stated): gnomAD exomes 0.00001.
gnomAD v4.1: 15 of 1,610,738 alleles (0.00093%); highest among the groups gnomAD compares: Non-Finnish European, 0.0012%; no homozygotes.

Submission:

Labcorp Genetics (formerly Invitae), Labcorp
Classification: Uncertain significance for Congenital neutropenia-myelofibrosis-nephromegaly syndrome. Last evaluated: 2021-08-31. Review status: criteria provided, single submitter. Criteria: Invitae Variant Classification Sherloc (09022015). Collection method: clinical testing. Allele origin: germline.
Comment: This sequence change replaces alanine with valine at codon 313 of the VPS45 protein (p.Ala313Val). The alanine residue is moderately conserved and there is a small physicochemical difference between alanine and valine. This variant is not present in population databases (ExAC no frequency). This variant has not been reported in the literature in individuals affected with VPS45-related conditions. Algorithms developed to predict the effect of missense changes on protein structure and function (SIFT, PolyPhen-2, Align-GVGD) all suggest that this variant is likely to be tolerated. Algorithms developed to predict the effect of sequence changes on RNA splicing suggest that this variant may create or strengthen a splice site. In summary, the available evidence is currently insufficient to determine the role of this variant in disease. Therefore, it has been classified as a Variant of Uncertain Significance.

NM_007259.5(VPS45):c.938C>T (p.Ala313Val)

Gene: VPS45 (vacuolar protein sorting 45 homolog; plus strand). Cytogenetic location: 1q21.2.
Variant type: single nucleotide variant.
Coding change: c.938C>T on transcript NM_007259.5 (MANE Select); coding-DNA position 938, C replaced by T.
Protein change: p.Ala313Val; replaces alanine 313 with valine.
Molecular consequence: missense variant. On other transcripts: non-coding transcript variant (1).
Genome position (GRCh38, 1-based): chr1:150,082,717, C>T. VCF-style: chr1-150082717-C-T. GRCh37 (hg19) VCF-style: chr1-150054801-C-T.
Other names: c.623C>T, p.Ala208Val (NM_001279353.2); c.830C>T, p.Ala277Val (NM_001279354.2); short protein forms A208V, A277V, A313V.
Identifiers: ClinVar variation 2182927 (VCV002182927.1), dbSNP rs1655785345, ClinGen allele CA342252119.